The following is an entry in ClinVar:

NM_000051.4(ATM):c.3752G>T (p.Cys1251Phe)

Gene: ATM (ATM serine/threonine kinase; plus strand). Cytogenetic location: 11q22.3.
Variant type: single nucleotide variant.
Coding change: c.3752G>T on transcript NM_000051.4 (MANE Select); coding-DNA position 3752, G replaced by T.
Protein change: p.Cys1251Phe; replaces cysteine 1251 with phenylalanine.
Molecular consequence: missense variant.
Genome position (GRCh38, 1-based): chr11:108,284,232, G>T. VCF-style: chr11-108284232-G-T. GRCh37 (hg19) VCF-style: chr11-108154959-G-T.
Other names: c.3752G>T, p.Cys1251Phe (NM_001351834.2); short protein forms C1251F.
Identifiers: ClinVar variation 854135 (VCV000854135.12), dbSNP rs1427548500, ClinGen allele CA382524209.
Genomic context (GRCh38, chr11:108,284,232, plus strand): 5'-AATTTTACTTGGAAAAGTTATATATAACCTGTATTTTAAATTTTTCTATTTTTAGATCTT[G>T]TTATAAGGTTTTGATTCCACATCTGGTGATTAGAAGTCATTTTGATGAGGTGAAGTCCAT-3'
Protein context (NP_000042.3, residues 1241-1261): YTNIEDFYRS[Cys1251Phe]YKVLIPHLVI

ClinVar aggregate classification (germline): Uncertain significance. Review status: criteria provided, multiple submitters, no conflicts (2 of 4 stars). 3 submissions from 3 submitters: Uncertain significance (3). Last evaluated 2024-11-08.

Conditions:
Hereditary cancer-predisposing syndrome. Also called: Neoplastic Syndromes, Hereditary; Hereditary Cancer Syndrome; Hereditary neoplastic syndrome; Tumor predisposition. Identifiers: Orphanet 140162, MedGen C0027672, MeSH D009386, MONDO:0015356.
Ataxia-telangiectasia syndrome (AT). Also called: Ataxia-telangiectasia, complementation group E; Cerebello-oculocutaneous telangiectasia; Immunodeficiency with ataxia telangiectasia; Ataxia-telangiectasia, complementation group D; AT, COMPLEMENTATION GROUP C; Ataxia-telangiectasia. Identifiers: Orphanet 100, MedGen C0004135, MONDO:0008840, OMIM 208900.

Submissions (3):

Quest Diagnostics Nichols Institute San Juan Capistrano
Classification: Uncertain significance. Last evaluated: 2024-11-08. Review status: criteria provided, single submitter. Criteria: Quest Diagnostics criteria. Collection method: clinical testing. Allele origin: unknown.
Comment: The ATM c.3752G>T (p.Cys1251Phe) variant has not been reported in individuals with ATM-related conditions in the published literature. It also has not been reported in large, multi-ethnic general populations (Genome Aggregation Database). Analysis of this variant using bioinformatics tools for the prediction of the effect of amino acid changes on protein structure and function yielded predictions that this variant is benign. Based on the available information, we are unable to determine the clinical significance of this variant.

Labcorp Genetics (formerly Invitae), Labcorp
Classification: Uncertain significance for Ataxia-telangiectasia syndrome. Last evaluated: 2024-03-23. Review status: criteria provided, single submitter. Criteria: Invitae Variant Classification Sherloc (09022015). Collection method: clinical testing. Allele origin: germline.
Comment: This sequence change replaces cysteine, which is neutral and slightly polar, with phenylalanine, which is neutral and non-polar, at codon 1251 of the ATM protein (p.Cys1251Phe). This variant is not present in population databases (gnomAD no frequency). This variant has not been reported in the literature in individuals affected with ATM-related conditions. ClinVar contains an entry for this variant (Variation ID: 854135). An algorithm developed to predict the effect of missense changes on protein structure and function (PolyPhen-2) suggests that this variant is likely to be tolerated. In summary, the available evidence is currently insufficient to determine the role of this variant in disease. Therefore, it has been classified as a Variant of Uncertain Significance.

Ambry Genetics
Classification: Uncertain significance for Hereditary cancer-predisposing syndrome. Last evaluated: 2023-09-13. Review status: criteria provided, single submitter. Criteria: Ambry Variant Classification Scheme 2023. Collection method: clinical testing. Allele origin: germline.
Comment: The p.C1251F variant (also known as c.3752G>T), located in coding exon 25 of the ATM gene, results from a G to T substitution at nucleotide position 3752. The cysteine at codon 1251 is replaced by phenylalanine, an amino acid with highly dissimilar properties. This amino acid position is well conserved in available vertebrate species. In addition, this alteration is predicted to be tolerated by in silico analysis. Since supporting evidence is limited at this time, the clinical significance of this alteration remains unclear.